The following is an entry in ClinVar:

ClinVar aggregate classification (germline): Uncertain significance (1 of 4 stars; one submission).

Allele frequency attached by ClinVar (database versions not stated): gnomAD exomes 0.00001; ExAC 0.00002.
gnomAD v4.1: 18 of 1,614,142 alleles (0.0011%); highest among the groups gnomAD compares: Middle Eastern, 0.099%; 1 homozygote.

Submission:

Labcorp Genetics (formerly Invitae), Labcorp
Classification: Uncertain significance. Last evaluated: 2022-05-12. Review status: criteria provided, single submitter. Criteria: Invitae Variant Classification Sherloc (09022015). Collection method: clinical testing. Allele origin: germline.
Comment: This variant is present in population databases (rs770691022, gnomAD 0.01%). In summary, the available evidence is currently insufficient to determine the role of this variant in disease. Therefore, it has been classified as a Variant of Uncertain Significance. Algorithms developed to predict the effect of missense changes on protein structure and function (SIFT, PolyPhen-2, Align-GVGD) all suggest that this variant is likely to be tolerated. This variant has not been reported in the literature in individuals affected with PLXNA2-related conditions. This sequence change replaces serine, which is neutral and polar, with cysteine, which is neutral and slightly polar, at codon 330 of the PLXNA2 protein (p.Ser330Cys).

NM_025179.4(PLXNA2):c.988A>T (p.Ser330Cys)

Gene: PLXNA2 (plexin A2; minus strand). Cytogenetic location: 1q32.2.
Variant type: single nucleotide variant.
Coding change: c.988A>T on transcript NM_025179.4 (MANE Select); coding-DNA position 988, A replaced by T.
Protein change: p.Ser330Cys; replaces serine 330 with cysteine.
Molecular consequence: missense variant.
Genome position (GRCh38, 1-based): chr1:208,216,935, T>A on the plus strand (A>T on the coding strand, the complement: PLXNA2 is on the minus strand). VCF-style: chr1-208216935-T-A. GRCh37 (hg19) VCF-style: chr1-208390280-T-A.
Other names: short protein forms S330C.
Identifiers: ClinVar variation 1985394 (VCV001985394.4), dbSNP rs770691022, ClinGen allele CA1373994.